The following is an entry in ClinVar:

ClinVar aggregate classification (germline): Uncertain significance (1 of 4 stars; one submission).

Conditions:
Multinucleated neurons-anhydramnios-renal dysplasia-cerebellar hypoplasia-hydranencephaly syndrome. Also called: Hydranencephaly with renal aplasia-dysplasia. Identifiers: Orphanet 500135, MedGen C1856053, MONDO:0009359, OMIM 236500.

Submission:

Juno Genomics, Hangzhou Juno Genomics, Inc
Classification: Uncertain significance for Multinucleated neurons-anhydramnios-renal dysplasia-cerebellar hypoplasia-hydranencephaly syndrome. Review status: criteria provided, single submitter. Criteria: ACMG Guidelines, 2015. Collection method: clinical testing. Allele origin: germline.
Comment: Null variant in a gene where loss of function (LOF) is a known mechanism of disease.;Absent from controls (or at extremely low frequency if recessive) in Genome Aggregation Database.

NM_018131.5(CEP55):c.388C>T (p.Gln130Ter)

Gene: CEP55 (centrosomal protein 55; plus strand). Cytogenetic location: 10q23.33.
Variant type: single nucleotide variant.
Coding change: c.388C>T on transcript NM_018131.5 (MANE Select); coding-DNA position 388, C replaced by T.
Protein change: p.Gln130Ter; replaces glutamine 130 with a stop codon.
Molecular consequence: nonsense.
Genome position (GRCh38, 1-based): chr10:93,503,317, C>T. VCF-style: chr10-93503317-C-T. GRCh37 (hg19) VCF-style: chr10-95263074-C-T.
Other names: c.388C>T, p.Gln130Ter (NM_001127182.2); short protein forms Q130*.
Identifiers: ClinVar variation 5007750 (VCV005007750.2).